The following is an entry in ClinVar:

ClinVar aggregate classification (germline): Uncertain significance (1 of 4 stars; one submission).

gnomAD v4.1: 1 of 1,613,828 alleles (0.000062%); highest among the groups gnomAD compares: Non-Finnish European, 0.000085%; no homozygotes.

Submission:

GeneDx
Classification: Uncertain significance. Last evaluated: 2025-07-02. Review status: criteria provided, single submitter. Criteria: GeneDx Variant Classification Process June 2021. Collection method: clinical testing. Allele origin: germline. Affected: yes.
Comment: Not observed at significant frequency in large population cohorts (gnomAD); Missense variants in this gene are a common cause of disease and they are underrepresented in the general population; In silico analysis supports that this missense variant has a deleterious effect on protein structure/function; Has not been previously published as pathogenic or benign to our knowledge; This variant is associated with the following publications: (PMID: 29493581)

NM_005633.4(SOS1):c.842G>T (p.Ser281Ile)

Gene: SOS1 (SOS Ras/Rac guanine nucleotide exchange factor 1; minus strand). Cytogenetic location: 2p22.1.
Variant type: single nucleotide variant.
Coding change: c.842G>T on transcript NM_005633.4 (MANE Select); coding-DNA position 842, G replaced by T.
Protein change: p.Ser281Ile; replaces serine 281 with isoleucine.
Molecular consequence: missense variant.
Genome position (GRCh38, 1-based): chr2:39,051,166, C>A on the plus strand (G>T on the coding strand, the complement: SOS1 is on the minus strand). VCF-style: chr2-39051166-C-A. GRCh37 (hg19) VCF-style: chr2-39278307-C-A.
Other names: c.821G>T, p.Ser274Ile (NM_001382394.1); c.842G>T, p.Ser281Ile (NM_001382395.1); short protein forms S274I, S281I.
Identifiers: ClinVar variation 4681151 (VCV004681151.1).